The following is an entry in ClinVar:

ClinVar aggregate classification (germline): Benign/Likely benign. Review status: criteria provided, multiple submitters, no conflicts (2 of 4 stars). 4 submissions from 4 submitters: Benign (3); Likely benign (1). Last evaluated 2026-01-28.

Conditions:
Pitt-Hopkins-like syndrome 2 (PTHSL2). Identifiers: Orphanet 221150, Orphanet 600663, MedGen C3280479, MONDO:0013690, OMIM 614325.

Allele frequency attached by ClinVar (database versions not stated): gnomAD exomes 0.00058 and 0.00136; ExAC 0.00178; gnomAD 0.00505 and 0.00534; ESP Exome Variant Server 0.00562; TOPMed 0.00576; 1000 Genomes Project 30x 0.00828; 1000 Genomes Project 0.00879.
gnomAD v4.1: 1,673 of 1,598,336 alleles (0.1%); highest among the groups gnomAD compares: African/African-American, 1.8%; 16 homozygotes.

Submissions (4):

Labcorp Genetics (formerly Invitae), Labcorp
Classification: Benign for Pitt-Hopkins-like syndrome 2. Last evaluated: 2026-01-28. Review status: criteria provided, single submitter. Criteria: Invitae Variant Classification Sherloc (09022015). Collection method: clinical testing. Allele origin: germline.

Blueprint Genetics
Classification: Likely benign. Last evaluated: 2024-11-13. Review status: criteria provided, single submitter. Criteria: ACMG Guidelines, 2015. Collection method: clinical testing. Allele origin: germline.

GeneDx
Classification: Benign. Last evaluated: 2013-01-31. Review status: criteria provided, single submitter. Criteria: GeneDx Variant Classification (06012015). Collection method: clinical testing. Allele origin: germline. Affected: yes.
Comment: This variant is considered likely benign or benign based on one or more of the following criteria: it is a conservative change, it occurs at a poorly conserved position in the protein, it is predicted to be benign by multiple in silico algorithms, and/or has population frequency not consistent with disease.

Breakthrough Genomics
Classification: Benign. Review status: criteria provided, single submitter. Criteria: ACMG Guidelines, 2015. Collection method: not provided. Allele origin: germline. Inheritance: Autosomal recessive inheritance. Affected: yes.

NM_001330078.2(NRXN1):c.2143+19A>G

Gene: NRXN1 (neurexin 1; minus strand). Cytogenetic location: 2p16.3.
Variant type: single nucleotide variant.
Coding change: c.2143+19A>G on transcript NM_001330078.2 (MANE Select); 19 bases into the intron after coding-DNA position 2143, A replaced by G.
Molecular consequence: intron variant.
Genome position (GRCh38, 1-based): chr2:50,538,234, T>C on the plus strand (A>G on the coding strand, the complement: NRXN1 is on the minus strand). VCF-style: chr2-50538234-T-C. GRCh37 (hg19) VCF-style: chr2-50765372-T-C.
Other names: c.2059+19A>G (NM_001330096.2, NM_001330087.2); c.2104+19A>G (NM_001330083.2, NM_001330084.2); c.2089+19A>G (NM_001330088.2); c.2140+19A>G (NM_001330093.2); c.2131+19A>G (NM_001330094.2); c.2119+19A>G (NM_001330095.2, NM_001330082.2, NM_001330077.2); c.2143+19A>G (NM_001330085.2, NM_004801.6, NM_001330086.2); c.2263+19A>G (NM_001135659.3).
Identifiers: ClinVar variation 138552 (VCV000138552.11), dbSNP rs150513096, ClinGen allele CA292598.